The following is an entry in ClinVar:

ClinVar aggregate classification (germline): Uncertain significance. Review status: criteria provided, multiple submitters, no conflicts (2 of 4 stars). 2 submissions from 2 submitters: Uncertain significance (2). Last evaluated 2025-05-25.

Conditions:
Inborn genetic diseases. Identifiers: MedGen C0950123, MeSH D030342.

Submissions (2):

Ambry Genetics
Classification: Uncertain significance for Inborn genetic diseases. Last evaluated: 2025-05-25. Review status: criteria provided, single submitter. Criteria: Ambry Variant Classification Scheme 2023. Collection method: clinical testing. Allele origin: germline.

GeneDx
Classification: Uncertain significance. Last evaluated: 2024-12-05. Review status: criteria provided, single submitter. Criteria: GeneDx Variant Classification Process June 2021. Collection method: clinical testing. Allele origin: germline. Affected: yes.
Comment: Not observed at significant frequency in large population cohorts (gnomAD); In silico analysis supports that this missense variant has a deleterious effect on protein structure/function; Has not been previously published as pathogenic or benign to our knowledge

NM_001257180.2(SLC20A2):c.610C>T (p.Pro204Ser)

Gene: SLC20A2 (solute carrier family 20 member 2; minus strand). Cytogenetic location: 8p11.21.
Variant type: single nucleotide variant.
Coding change: c.610C>T on transcript NM_001257180.2 (MANE Select); coding-DNA position 610, C replaced by T.
Protein change: p.Pro204Ser; replaces proline 204 with serine.
Molecular consequence: missense variant.
Genome position (GRCh38, 1-based): chr8:42,459,899, G>A on the plus strand (C>T on the coding strand, the complement: SLC20A2 is on the minus strand). VCF-style: chr8-42459899-G-A. GRCh37 (hg19) VCF-style: chr8-42317417-G-A.
Other names: c.610C>T, p.Pro204Ser (NM_001257181.2, NM_006749.5); c.610C>T (NM_006749.3); short protein forms P204S.
Identifiers: ClinVar variation 3901363 (VCV003901363.2).
Genomic context (GRCh38, chr8:42,459,899, plus strand): 5'-ATACTGTTAGAATACAATGCACTTTGCCCCTGGAGTATGCTTCCAAGGGATCCTTACCTG[G>A]TGCTCCTGTGTACATGATGGAAAAGACATTGATTGCTATGGTAGCAGCATAGAATACTGG-3'
Protein context (NP_001244109.1, residues 194-214): NVFSIMYTGA[Pro204Ser]VLGLVLPMWA